The following is an entry in ClinVar:

NM_007294.4(BRCA1):c.3578_3581del (p.Phe1193fs)

Genes: BRCA1 (BRCA1 DNA repair associated; minus strand), LOC126862571 (BRD4-independent group 4 enhancer GRCh37_chr17:41243136-41244335; plus strand). Cytogenetic location: 17q21.31.
Variant type: Deletion.
Coding change: c.3578_3581del on transcript NM_007294.4 (MANE Select); coding-DNA positions 3578 to 3581, 4 bases deleted (TCAC; older notation c.3578_3581delTCAC).
Protein change: p.Phe1193fs; shifts the reading frame from phenylalanine 1193.
Molecular consequence: frameshift variant. On other transcripts: intron variant (135).
Genome position (GRCh38, 1-based): chr17:43,091,950-43,091,953, GTGA deleted on the plus strand (TCAC on the coding strand, the reverse complement: BRCA1 is on the minus strand). VCF-style (leftmost placement, unchanged base first): chr17-43091949-GGTGA-G. GRCh37 (hg19) VCF-style: chr17-41243966-GGTGA-G.
Other names: c.3365_3368del, p.Phe1122fs (NM_001407571.1, NM_001407853.1, NM_001407894.1 and 9 more transcripts); c.3578_3581del, p.Phe1193fs (NM_001407581.1, NM_001407582.1, NM_001407583.1 and 30 more transcripts); c.3575_3578del, p.Phe1192fs (NM_001407587.1, NM_001407590.1, NM_001407591.1 and 22 more transcripts); c.3569_3572del, p.Phe1190fs (NM_001407646.1, NM_001407647.1); c.3455_3458del, p.Phe1152fs (NM_001407648.1, NM_001407664.1, NM_001407665.1 and 19 more transcripts); c.3452_3455del, p.Phe1151fs (NM_001407649.1, NM_001407670.1, NM_001407671.1 and 11 more transcripts); c.3500_3503del, p.Phe1167fs (NM_001407653.1, NM_001407654.1, NM_001407655.1 and 4 more transcripts); c.3497_3500del, p.Phe1166fs (NM_001407659.1, NM_001407660.1, NM_001407661.1 and 1 more transcripts); and 41 more; short protein forms F1146fs, F1193fs, F1025fs, F1066fs, F1126fs, F1151fs, F1166fs, F1167fs.
Identifiers: ClinVar variation 2431297 (VCV002431297.4), dbSNP rs2552142008, ClinGen allele CA2580093820.

ClinVar aggregate classification (germline): Pathogenic. Review status: criteria provided, multiple submitters, no conflicts (2 of 4 stars). 2 submissions from 2 submitters: Pathogenic (2). Last evaluated 2023-01-19.

Conditions:
Breast-ovarian cancer, familial, susceptibility to, 1 (BROVCA1). Also called: BRCA1 Hereditary Breast and Ovarian Cancer; OVARIAN CANCER, SUSCEPTIBILITY TO. Identifiers: Orphanet 145, MedGen C2676676, MONDO:0011450, OMIM 604370. Disease mechanism: loss of function.
Hereditary breast ovarian cancer syndrome. Also called: Breast and ovarian cancer; Hereditary breast and ovarian cancer; Hereditary breast and ovarian cancer syndrome; Hereditary breast and/or ovarian cancer syndrome; BRCA1- and BRCA2-Associated Hereditary Breast and Ovarian Cancer; Hereditary breast and ovarian cancer syndrome (HBOC). Identifiers: Orphanet 145, MedGen C0677776, MeSH D061325, MONDO:0003582. Disease mechanism: loss of function.

Submissions (2):

Myriad Genetics, Inc.
Classification: Pathogenic for Breast-ovarian cancer, familial, susceptibility to, 1. Last evaluated: 2023-01-19. Review status: criteria provided, single submitter. Criteria: Myriad Autosomal Dominant, Autosomal Recessive and X-Linked Classification Criteria (2023). Collection method: clinical testing. Allele origin: unknown.
Comment: This variant is considered pathogenic. This variant creates a frameshift predicted to result in premature protein truncation.

Labcorp Genetics (formerly Invitae), Labcorp
Classification: Pathogenic for Hereditary breast ovarian cancer syndrome. Last evaluated: 2022-11-12. Review status: criteria provided, single submitter. Criteria: Invitae Variant Classification Sherloc (09022015). Collection method: clinical testing. Allele origin: germline.
Comment: This sequence change creates a premature translational stop signal (p.Phe1193Serfs*16) in the BRCA1 gene. It is expected to result in an absent or disrupted protein product. Loss-of-function variants in BRCA1 are known to be pathogenic (PMID: 20104584). This variant is not present in population databases (gnomAD no frequency). This variant has not been reported in the literature in individuals affected with BRCA1-related conditions. For these reasons, this variant has been classified as Pathogenic.

Literature cited by the submitters: PubMed 20104584 (cited by Labcorp Genetics (formerly Invitae), Labcorp).